The following is an entry in ClinVar:

NM_014014.5(SNRNP200):c.4634C>T (p.Pro1545Leu)

Gene: SNRNP200 (small nuclear ribonucleoprotein U5 subunit 200; minus strand). Cytogenetic location: 2q11.2.
Variant type: single nucleotide variant.
Coding change: c.4634C>T on transcript NM_014014.5 (MANE Select); coding-DNA position 4634, C replaced by T.
Protein change: p.Pro1545Leu; replaces proline 1545 with leucine.
Molecular consequence: missense variant.
Genome position (GRCh38, 1-based): chr2:96,283,664, G>A on the plus strand (C>T on the coding strand, the complement: SNRNP200 is on the minus strand). VCF-style: chr2-96283664-G-A. GRCh37 (hg19) VCF-style: chr2-96949402-G-A.
Other names: short protein forms P1545L.
Identifiers: ClinVar variation 4533222 (VCV004533222.1).

ClinVar aggregate classification (germline): Uncertain significance (1 of 4 stars; one submission).

Conditions:
Retinitis pigmentosa 33 (RP33). Identifiers: Orphanet 791, MedGen C1835895, MONDO:0012477, OMIM 610359.

Submission:

Juno Genomics, Hangzhou Juno Genomics, Inc
Classification: Uncertain significance for Retinitis pigmentosa 33. Review status: criteria provided, single submitter. Criteria: ACMG Guidelines, 2015. Collection method: clinical testing. Allele origin: germline. Affected: yes.
Comment: Absent from controls (or at extremely low frequency if recessive) in Genome Aggregation Database, Exome Sequencing Project, 1000 Genomes Project, or Exome Aggregation Consortium.;Multiple lines of computational evidence support a deleterious effect on the gene or gene product (conservation, evolutionary, splicing impact, etc).;Missense variant in a gene that has a low rate of benign missense variation and where missense variants are a common mechanism of disease.